The following is an entry in ClinVar:

ClinVar aggregate classification (germline): Uncertain significance. Review status: criteria provided, multiple submitters, no conflicts (2 of 4 stars). 6 submissions from 6 submitters: Uncertain significance (5). 1 of the submissions does not count toward it. Last evaluated 2025-02-25.

Conditions:
Inborn genetic diseases. Identifiers: MedGen C0950123, MeSH D030342.
Renal tubular acidosis with progressive nerve deafness. Also called: renal tubular acidosis, distal, 2, with progressive sensorineural hearing loss; Distal Renal Tubular Acidosis with Progressive Sensorineural Deafness; RTA WITH PROGRESSIVE NERVE DEAFNESS; RENAL TUBULAR ACIDOSIS, AUTOSOMAL RECESSIVE, WITH PROGRESSIVE NERVE DEAFNESS. Identifiers: MedGen C0403554, MONDO:0009968, OMIM 267300.

Allele frequency attached by ClinVar (database versions not stated): gnomAD 0.00005; TOPMed 0.00005; gnomAD exomes 0.00007; ExAC 0.00008; ESP Exome Variant Server 0.00008.
gnomAD v4.1: 126 of 1,613,766 alleles (0.0078%); highest among the groups gnomAD compares: Middle Eastern, 0.066%; 1 homozygote.

Submissions (6):

GeneDx
Classification: Uncertain significance. Last evaluated: 2025-02-25. Review status: criteria provided, single submitter. Criteria: GeneDx Variant Classification Process June 2021. Collection method: clinical testing. Allele origin: germline. Affected: yes.
Comment: In silico analysis supports that this missense variant has a deleterious effect on protein structure/function; Has not been previously published as pathogenic or benign to our knowledge

Fulgent Genetics
Classification: Uncertain significance for Renal tubular acidosis with progressive nerve deafness. Last evaluated: 2024-06-24. Review status: criteria provided, single submitter. Criteria: ACMG Guidelines, 2015. Collection method: clinical testing. Allele origin: germline.

Ambry Genetics
Classification: Uncertain significance for Inborn genetic diseases. Last evaluated: 2022-12-06. Review status: criteria provided, single submitter. Criteria: Ambry Variant Classification Scheme 2023. Collection method: clinical testing. Allele origin: germline.

Athena Diagnostics
Classification: Uncertain significance. Last evaluated: 2020-07-22. Review status: criteria provided, single submitter. Criteria: Athena Diagnostics Criteria. Collection method: clinical testing. Allele origin: unknown.

Laboratory for Molecular Medicine, Mass General Brigham Personalized Medicine
Classification: Uncertain significance. Last evaluated: 2017-12-21. Review status: criteria provided, single submitter. Criteria: LMM Criteria. Collection method: clinical testing. Allele origin: germline. Observed: 3 variant alleles.
Comment: The p.Arg331Gln variant in ATP6V1B1 has not been previously reported in individu als with hearing loss, but has been identified in 11/30780 South Asian chromosom es including 1 homozygote by the Genome Aggregation Database (gnomAD; dbSNP rs148429410). Although this variant has been seen in the general population, its frequency is not high enough to rule out a pathog enic role. Computational prediction tools and conservation analysis suggest that the p.Arg331Gln variant may impact the protein, though this information is not predictive enough to determine pathogenicity. In summary, the clinical significa nce of the p.Arg331Gln variant is uncertain. ACMG/AMP Criteria applied: PP3.

Natera, Inc.
Classification: Uncertain significance for Renal tubular acidosis with progressive nerve deafness. Last evaluated: 2019-10-28. Review status: no assertion criteria provided. Collection method: clinical testing. Allele origin: germline. Not counted in ClinVar's aggregate classification.

NM_001692.4(ATP6V1B1):c.992G>A (p.Arg331Gln)

Gene: ATP6V1B1 (ATPase H+ transporting V1 subunit B1; plus strand). Cytogenetic location: 2p13.3.
Variant type: single nucleotide variant.
Coding change: c.992G>A on transcript NM_001692.4 (MANE Select); coding-DNA position 992, G replaced by A.
Protein change: p.Arg331Gln; replaces arginine 331 with glutamine.
Molecular consequence: missense variant.
Genome position (GRCh38, 1-based): chr2:70,963,244, G>A. VCF-style: chr2-70963244-G-A. GRCh37 (hg19) VCF-style: chr2-71190374-G-A.
Other names: short protein forms R331Q.
Identifiers: ClinVar variation 504551 (VCV000504551.12), dbSNP rs148429410, ClinGen allele CA1701215.
Genomic context (GRCh38, chr2:70,963,244, plus strand): 5'-TGCCTGGGCGCCGAGGGTTTCCTGGATATATGTACACAGACCTGGCCACCATCTACGAGC[G>A]GGCGGGCCGCGTGGAGGGTCGGGGAGGATCCATCACACAGATCCCCATCCTCACCATGCC-3'
Protein context (NP_001683.2, residues 321-341): MYTDLATIYE[Arg331Gln]AGRVEGRGGS